The following is an entry in ClinVar:

NM_017760.7(NCAPG2):c.1699A>G (p.Ile567Val)

Genes: NCAPG2 (non-SMC condensin II complex subunit G2; minus strand), LOC126860260 (MED14-independent group 3 enhancer GRCh37_chr7:158456637-158457836; plus strand). Cytogenetic location: 7q36.3.
Variant type: single nucleotide variant.
Coding change: c.1699A>G on transcript NM_017760.7 (MANE Select); coding-DNA position 1699, A replaced by G.
Protein change: p.Ile567Val; replaces isoleucine 567 with valine.
Molecular consequence: missense variant. On other transcripts: non-coding transcript variant (1).
Genome position (GRCh38, 1-based): chr7:158,664,531, T>C on the plus strand (A>G on the coding strand, the complement: NCAPG2 is on the minus strand). VCF-style: chr7-158664531-T-C. GRCh37 (hg19) VCF-style: chr7-158457223-T-C.
Other names: c.1699A>G, p.Ile567Val (NM_001281932.2, NM_001281933.2); short protein forms I567V.
Identifiers: ClinVar variation 1679757 (VCV001679757.1), dbSNP rs2129460407, ClinGen allele CA370179209.
Genomic context (GRCh38, chr7:158,664,531, plus strand): 5'-GTATTATGCTTTTGGGGGAAAACATAACAAGAACTGAGAAATAACAGCACTCCCTACCTA[T>C]GTTGGTGCAGGCGGTGTGTTCGTGGGCGTACTGATAGAACCTCCTGGCAGCGGCGTGGTT-3'
Protein context (NP_060230.5, residues 557-577): YAHEHTACTN[Ile567Val]AKLIHVIRHC

ClinVar aggregate classification (germline): Uncertain significance (1 of 4 stars; one submission).

Conditions:
Khan-Khan-Katsanis syndrome. Also called: 3K SYNDROME. Identifiers: MedGen C5193110, MONDO:0032764, OMIM 618460.

Submission:

New York Genome Center
Classification: Uncertain significance for Khan-Khan-Katsanis syndrome. Last evaluated: 2021-07-08. Review status: criteria provided, single submitter. Criteria: NYGC Assertion Criteria 2020. Collection method: clinical testing. Allele origin: inherited. Observed: 1 variant allele. Study: CSER-NYCKidSeq.
Comment: The inherited heterozygous c.1699A>G (p.Ile567Val) missense variant identified in the NCAPG2 gene has not been reported in affected individuals in the literature. The variant is absent from gnomAD(v3) database suggesting it is not a common benign variant in the populations represented in that database. The variant affects an evolutionarily conserved residue at the nucleotide as well as at the amino acid level. The NCAPG2 gene has 28 exons, and this variant is located in exon 14 just three nucleotides away from the exon/intron splice junction suggesting that it may affect the normal mRNA splicing. In silico tools provide conflicting predictions about potential pathogenicity of this variant (CADD score = 27.0, REVEL score = 0.190, Splice AI = 0.75, TRAP = 0.381]. Based on the available evidence, the inherited heterozygous c.1699A>G (p.Ile567Val) missense variant identified in the NCAPG2 gene is reported as a Variant of Uncertain Significance.